The following is an entry in ClinVar:

ClinVar aggregate classification (germline): Uncertain significance (1 of 4 stars; one submission).

Conditions:
Chédiak-Higashi syndrome (CHS). Also called: Chediak-Higashi Syndrome. Identifiers: Orphanet 167, MedGen C0007965, MONDO:0008963, OMIM 214500.

Allele frequency attached by ClinVar (database versions not stated): gnomAD exomes below 0.00001; TOPMed below 0.00001.
gnomAD v4.1: 4 of 1,610,288 alleles (0.00025%); highest among the groups gnomAD compares: African/African-American, 0.004%; no homozygotes.

Submission:

Labcorp Genetics (formerly Invitae), Labcorp
Classification: Uncertain significance for Chédiak-Higashi syndrome. Last evaluated: 2022-07-09. Review status: criteria provided, single submitter. Criteria: Invitae Variant Classification Sherloc (09022015). Collection method: clinical testing. Allele origin: germline.
Comment: In summary, the available evidence is currently insufficient to determine the role of this variant in disease. Therefore, it has been classified as a Variant of Uncertain Significance. Algorithms developed to predict the effect of missense changes on protein structure and function are either unavailable or do not agree on the potential impact of this missense change (SIFT: "Tolerated"; PolyPhen-2: "Probably Damaging"; Align-GVGD: "Class C0"). This variant has not been reported in the literature in individuals affected with LYST-related conditions. This variant is not present in population databases (gnomAD no frequency). This sequence change replaces serine, which is neutral and polar, with glycine, which is neutral and non-polar, at codon 3570 of the LYST protein (p.Ser3570Gly).

NM_000081.4(LYST):c.10708A>G (p.Ser3570Gly)

Gene: LYST (lysosomal trafficking regulator; minus strand). Cytogenetic location: 1q42.3.
Variant type: single nucleotide variant.
Coding change: c.10708A>G on transcript NM_000081.4 (MANE Select); coding-DNA position 10708, A replaced by G.
Protein change: p.Ser3570Gly; replaces serine 3570 with glycine.
Molecular consequence: missense variant.
Genome position (GRCh38, 1-based): chr1:235,687,041, T>C on the plus strand (A>G on the coding strand, the complement: LYST is on the minus strand). VCF-style: chr1-235687041-T-C. GRCh37 (hg19) VCF-style: chr1-235850341-T-C.
Other names: c.10708A>G, p.Ser3570Gly (NM_001301365.1); short protein forms S3570G.
Identifiers: ClinVar variation 2015484 (VCV002015484.4), dbSNP rs1660271579, ClinGen allele CA344924404.